The following is an entry in ClinVar:

ClinVar aggregate classification (germline): Pathogenic/Likely pathogenic. Review status: criteria provided, multiple submitters, no conflicts (2 of 4 stars). 6 submissions from 6 submitters: Pathogenic (5); Likely pathogenic (1). Last evaluated 2025-08-25.

Conditions:
Cardiovascular phenotype. Identifiers: MedGen CN230736.
Left ventricular noncompaction 10 (LVNC10). Identifiers: Orphanet 154, Orphanet 54260, MedGen C3715165, MONDO:0014163, OMIM 615396.
Hypertrophic cardiomyopathy 4. Also called: Familial hypertrophic cardiomyopathy 4. Identifiers: MedGen C1861862, MONDO:0007268, OMIM 115197.
Hypertrophic cardiomyopathy. Also called: HYPERTROPHIC MYOCARDIOPATHY. Identifiers: Orphanet 217569, MedGen C0007194, MeSH D002312, MONDO:0005045, HP:0001639.

gnomAD v4.1: 1 of 1,613,794 alleles (0.000062%); highest among the groups gnomAD compares: Non-Finnish European, 0.000085%; no homozygotes.

Submissions (6):

Clinical Genetics Laboratory, Skane University Hospital Lund
Classification: Pathogenic for Hypertrophic cardiomyopathy. Last evaluated: 2025-08-25. Review status: criteria provided, single submitter. Criteria: ACMG Guidelines, 2015. Collection method: clinical testing. Allele origin: germline. Affected: yes.
Comment: Classified according to the ClinGen Cardiomyopathy Expert Panel Specifications to the ACMG/AMP Variant Interpretation Guidelines for MYBPC3 (Version 1.0.0): PVS1, PS4, PM2_supp.

Labcorp Genetics (formerly Invitae), Labcorp
Classification: Pathogenic for Hypertrophic cardiomyopathy. Last evaluated: 2025-07-02. Review status: criteria provided, single submitter. Criteria: Invitae Variant Classification Sherloc (09022015). Collection method: clinical testing. Allele origin: germline.
Comment: This sequence change creates a premature translational stop signal (p.Tyr842*) in the MYBPC3 gene. It is expected to result in an absent or disrupted protein product. Loss-of-function variants in MYBPC3 are known to be pathogenic (PMID: 19574547). This variant is not present in population databases (gnomAD no frequency). This premature translational stop signal has been observed in individual(s) with hypertrophic cardiomyopathy (PMID: 15114369, 23406853, 27532257, 32344918). ClinVar contains an entry for this variant (Variation ID: 488796). For these reasons, this variant has been classified as Pathogenic.

Ambry Genetics
Classification: Pathogenic for Cardiovascular phenotype. Last evaluated: 2025-03-27. Review status: criteria provided, single submitter. Criteria: Ambry Variant Classification Scheme 2023. Collection method: clinical testing. Allele origin: germline.
Comment: The p.Y842* pathogenic mutation (also known as c.2526C>G), located in coding exon 25 of the MYBPC3 gene, results from a C to G substitution at nucleotide position 2526. This changes the amino acid from a tyrosine to a stop codon within coding exon 25. This variant was reported in individual(s) with features consistent with hypertrophic cardiomyopathy (HCM) (Liu X et al. Sci Rep, 2015 Jun;5:11411; Walsh R et al. Genet Med, 2017 Feb;19:192-203; Al-Shafai KN et al. Mol Genet Genomic Med, 2021 Jul;9:e1709). This variant is considered to be rare based on population cohorts in the Genome Aggregation Database (gnomAD). This alteration is expected to result in loss of function by premature protein truncation or nonsense-mediated mRNA decay. As such, this alteration is interpreted as a disease-causing mutation.

GeneDx
Classification: Pathogenic. Last evaluated: 2024-09-11. Review status: criteria provided, single submitter. Criteria: GeneDx Variant Classification Process June 2021. Collection method: clinical testing. Allele origin: germline. Affected: yes.
Comment: Identified patients with HCM referred for genetic testing at GeneDx, and in the published literature (PMID: 15114369, 23406853, 23283745, 25524337, 24865491, 26090888, 27532257, 32344918, 34137518, 33586461); Not observed at significant frequency in large population cohorts (gnomAD); Nonsense variant predicted to result in protein truncation or nonsense mediated decay in a gene for which loss-of-function is a known mechanism of disease; This variant is associated with the following publications: (PMID: 23406853, 23283745, 25525159, 27532257, 15114369, 37652022, 32344918, 33586461, 34137518, 34670123, 24865491, 25524337, 28193612, 26090888)

Genetics and Genomics Program, Sidra Medicine
Classification: Pathogenic for Hypertrophic cardiomyopathy. Review status: criteria provided, single submitter. Criteria: ACMG Guidelines, 2015. Collection method: research. Allele origin: unknown. Affected: yes. Observed: 1 variant allele.

Juno Genomics, Hangzhou Juno Genomics, Inc
Classification: Likely pathogenic for Left ventricular noncompaction 10; Hypertrophic cardiomyopathy 4. Review status: criteria provided, single submitter. Criteria: ACMG Guidelines, 2015. Collection method: clinical testing. Allele origin: germline.
Comment: Null variant in a gene where loss of function (LOF) is a known mechanism of disease.;Absent from controls (or at extremely low frequency if recessive) in Genome Aggregation Database.

Literature cited by the submitters: PubMed 19574547 (cited by Labcorp Genetics (formerly Invitae), Labcorp); PubMed 15114369 (cited by Labcorp Genetics (formerly Invitae), Labcorp and Ambry Genetics); PubMed 23406853 (cited by Labcorp Genetics (formerly Invitae), Labcorp); PubMed 27532257 (cited by Labcorp Genetics (formerly Invitae), Labcorp and Ambry Genetics); PubMed 32344918 (cited by Labcorp Genetics (formerly Invitae), Labcorp); PubMed 26090888 (cited by Ambry Genetics); PubMed 28193612 (cited by Ambry Genetics); PubMed 34137518 (cited by Ambry Genetics).

NM_000256.3(MYBPC3):c.2526C>G (p.Tyr842Ter)

Gene: MYBPC3 (myosin binding protein C3; minus strand). Cytogenetic location: 11p11.2.
Variant type: single nucleotide variant.
Coding change: c.2526C>G on transcript NM_000256.3 (MANE Select); coding-DNA position 2526, C replaced by G.
Protein change: p.Tyr842Ter; replaces tyrosine 842 with a stop codon.
Molecular consequence: nonsense.
Genome position (GRCh38, 1-based): chr11:47,337,467, G>C on the plus strand (C>G on the coding strand, the complement: MYBPC3 is on the minus strand). VCF-style: chr11-47337467-G-C. GRCh37 (hg19) VCF-style: chr11-47359018-G-C.
Other names: c.2526C>G, p.Tyr842Ter (LRG_386t1); short protein forms Y842*.
Identifiers: ClinVar variation 488796 (VCV000488796.19), dbSNP rs373792537, ClinGen allele CA380318188.